The following is an entry in ClinVar:

NM_000046.5(ARSB):c.499+160A>G

Gene: ARSB (arylsulfatase B; minus strand). Cytogenetic location: 5q14.1.
Variant type: single nucleotide variant.
Coding change: c.499+160A>G on transcript NM_000046.5 (MANE Select); 160 bases into the intron after coding-DNA position 499, A replaced by G.
Molecular consequence: intron variant.
Genome position (GRCh38, 1-based): chr5:78,968,846, T>C on the plus strand (A>G on the coding strand, the complement: ARSB is on the minus strand). VCF-style: chr5-78968846-T-C. GRCh37 (hg19) VCF-style: chr5-78264669-T-C.
Other names: c.499+160A>G (NM_198709.3).
Identifiers: ClinVar variation 680527 (VCV000680527.1), dbSNP rs55882246, ClinGen allele CA15383165.

ClinVar aggregate classification (germline): Benign (1 of 4 stars; one submission).

Allele frequency attached by ClinVar (database versions not stated): gnomAD 0.26651 and 0.26930; TOPMed 0.28087; 1000 Genomes Project 30x 0.28888; 1000 Genomes Project 0.29113.

Submission:

GeneDx
Classification: Benign. Last evaluated: 2018-06-19. Review status: criteria provided, single submitter. Criteria: GeneDx Variant Classification (06012015). Collection method: clinical testing. Allele origin: germline. Affected: yes.
Comment: This variant is considered likely benign or benign based on one or more of the following criteria: it is a conservative change, it occurs at a poorly conserved position in the protein, it is predicted to be benign by multiple in silico algorithms, and/or has population frequency not consistent with disease.